The following is an entry in ClinVar:

NM_001933.5(DLST):c.1098C>T (p.Gly366=)

Gene: DLST (dihydrolipoamide S-succinyltransferase; plus strand). Cytogenetic location: 14q24.3.
Variant type: single nucleotide variant.
Coding change: c.1098C>T on transcript NM_001933.5 (MANE Select); coding-DNA position 1098, C replaced by T.
Protein change: p.Gly366=; no amino-acid change (glycine 366 retained).
Molecular consequence: synonymous variant. On other transcripts: non-coding transcript variant (2).
Genome position (GRCh38, 1-based): chr14:74,901,104, C>T. VCF-style: chr14-74901104-C-T. GRCh37 (hg19) VCF-style: chr14-75367807-C-T.
Other names: c.1098C>T (NM_001933.4).
Identifiers: ClinVar variation 2788065 (VCV002788065.5), dbSNP rs20578, ClinGen allele CA7273746.

ClinVar aggregate classification (germline): Benign. Review status: criteria provided, single submitter (1 of 4 stars). 2 submissions from 2 submitters: Benign (1). 1 of the submissions does not count toward it. Last evaluated 2026-02-03.

Conditions:
DLST-related disorder. Also called: DLST-related condition.

Allele frequency attached by ClinVar (database versions not stated): 1000 Genomes Project 0.28415; 1000 Genomes Project 30x 0.28435; TOPMed 0.30629; gnomAD exomes 0.31027; ExAC 0.30356; gnomAD 0.31526; ESP Exome Variant Server 0.31931.
gnomAD v4.1: 500,856 of 1,613,078 alleles (31%); highest among the groups gnomAD compares: African/African-American, 33%; 79,304 homozygotes.

Submissions (2):

Labcorp Genetics (formerly Invitae), Labcorp
Classification: Benign. Last evaluated: 2026-02-03. Review status: criteria provided, single submitter. Criteria: Invitae Variant Classification Sherloc (09022015). Collection method: clinical testing. Allele origin: germline.

PreventionGenetics, part of Exact Sciences
Classification: Benign for DLST-related condition. Last evaluated: 2019-10-17. Review status: no assertion criteria provided. Collection method: clinical testing. Allele origin: germline. Not counted in ClinVar's aggregate classification.
Comment: This variant is classified as benign based on ACMG/AMP sequence variant interpretation guidelines (Richards et al. 2015 PMID: 25741868, with internal and published modifications).